The following is an entry in ClinVar:

ClinVar aggregate classification (germline): Uncertain significance. Review status: criteria provided, multiple submitters, no conflicts (2 of 4 stars). 3 submissions from 3 submitters: Uncertain significance (3). Last evaluated 2024-12-10.

Conditions:
Hereditary cancer-predisposing syndrome. Also called: Hereditary Cancer Syndrome; Neoplastic Syndromes, Hereditary; Hereditary neoplastic syndrome; Tumor predisposition. Identifiers: Orphanet 140162, MedGen C0027672, MeSH D009386, MONDO:0015356.
Hereditary diffuse gastric adenocarcinoma (HDGC). Also called: DIFFUSE GASTRIC AND LOBULAR BREAST CANCER SYNDROME. Identifiers: Orphanet 26106, MedGen C1708349, MONDO:0007648, OMIM 137215.

Submissions (3):

Labcorp Genetics (formerly Invitae), Labcorp
Classification: Uncertain significance for Hereditary diffuse gastric adenocarcinoma. Last evaluated: 2024-12-10. Review status: criteria provided, single submitter. Criteria: Invitae Variant Classification Sherloc (09022015). Collection method: clinical testing. Allele origin: germline.
Comment: This sequence change replaces threonine, which is neutral and polar, with serine, which is neutral and polar, at codon 623 of the CDH1 protein (p.Thr623Ser). This variant is not present in population databases (gnomAD no frequency). This variant has not been reported in the literature in individuals affected with CDH1-related conditions. ClinVar contains an entry for this variant (Variation ID: 820217). An algorithm developed to predict the effect of missense changes on protein structure and function (PolyPhen-2) suggests that this variant is likely to be tolerated. In summary, the available evidence is currently insufficient to determine the role of this variant in disease. Therefore, it has been classified as a Variant of Uncertain Significance.

Color Diagnostics, LLC DBA Color Health
Classification: Uncertain significance for Hereditary cancer-predisposing syndrome. Last evaluated: 2023-12-04. Review status: criteria provided, single submitter. Criteria: ACMG Guidelines, 2015. Collection method: clinical testing. Allele origin: germline.
Comment: This missense variant replaces threonine with serine at codon 623 of the CDH1 protein. To our knowledge, functional studies have not been reported for this variant. This variant has not been reported in individuals affected with hereditary cancer in the literature. This variant has not been identified in the general population by the Genome Aggregation Database (gnomAD). The available evidence is insufficient to determine the role of this variant in disease conclusively. Therefore, this variant is classified as a Variant of Uncertain Significance.

Ambry Genetics
Classification: Uncertain significance for Hereditary cancer-predisposing syndrome. Last evaluated: 2019-07-18. Review status: criteria provided, single submitter. Criteria: Ambry Variant Classification Scheme 2023. Collection method: clinical testing. Allele origin: germline.
Comment: The p.T623S variant (also known as c.1867A>T), located in coding exon 12 of the CDH1 gene, results from an A to T substitution at nucleotide position 1867. The threonine at codon 623 is replaced by serine, an amino acid with similar properties. This amino acid position is well conserved in available vertebrate species. In addition, the in silico prediction for this alteration is inconclusive. Since supporting evidence is limited at this time, the clinical significance of this alteration remains unclear.

NM_004360.5(CDH1):c.1867A>T (p.Thr623Ser)

Gene: CDH1 (cadherin 1; plus strand). Cytogenetic location: 16q22.1.
Variant type: single nucleotide variant.
Coding change: c.1867A>T on transcript NM_004360.5 (MANE Select); coding-DNA position 1867, A replaced by T.
Protein change: p.Thr623Ser; replaces threonine 623 with serine.
Molecular consequence: missense variant. On other transcripts: 5 prime UTR variant (1).
Genome position (GRCh38, 1-based): chr16:68,822,156, A>T. VCF-style: chr16-68822156-A-T. GRCh37 (hg19) VCF-style: chr16-68856059-A-T.
Other names: c.1684A>T, p.Thr562Ser (NM_001317184.2); c.319A>T, p.Thr107Ser (NM_001317185.2); c.-99A>T (NM_001317186.2); short protein forms T623S, T107S, T562S.
Identifiers: ClinVar variation 820217 (VCV000820217.16), dbSNP rs1596963727, ClinGen allele CA396467071.